The following is an entry in ClinVar:

ClinVar aggregate classification (germline): Uncertain significance (1 of 4 stars; one submission).

Conditions:
Joubert syndrome 23 (JBTS23). Identifiers: Orphanet 475, MedGen C4084822, MONDO:0014664, OMIM 616490.
Short-rib thoracic dysplasia 14 with polydactyly (SRTD14). Identifiers: Orphanet 397715, MedGen C4225286, MONDO:0014688, OMIM 616546.

Submission:

Labcorp Genetics (formerly Invitae), Labcorp
Classification: Uncertain significance for Joubert syndrome 23; Short-rib thoracic dysplasia 14 with polydactyly. Last evaluated: 2022-07-05. Review status: criteria provided, single submitter. Criteria: Invitae Variant Classification Sherloc (09022015). Collection method: clinical testing. Allele origin: germline.
Comment: This sequence change replaces leucine, which is neutral and non-polar, with valine, which is neutral and non-polar, at codon 478 of the KIAA0586 protein (p.Leu478Val). This variant is not present in population databases (gnomAD no frequency). This variant has not been reported in the literature in individuals affected with KIAA0586-related conditions. Algorithms developed to predict the effect of missense changes on protein structure and function (SIFT, PolyPhen-2, Align-GVGD) all suggest that this variant is likely to be tolerated. In summary, the available evidence is currently insufficient to determine the role of this variant in disease. Therefore, it has been classified as a Variant of Uncertain Significance.

NM_001329943.3(KIAA0586):c.1273C>G (p.Leu425Val)

Gene: KIAA0586 (KIAA0586; plus strand). Cytogenetic location: 14q23.1.
Variant type: single nucleotide variant.
Coding change: c.1273C>G on transcript NM_001329943.3 (MANE Select); coding-DNA position 1273, C replaced by G.
Protein change: p.Leu425Val; replaces leucine 425 with valine.
Molecular consequence: missense variant.
Genome position (GRCh38, 1-based): chr14:58,456,721, C>G. VCF-style: chr14-58456721-C-G. GRCh37 (hg19) VCF-style: chr14-58923439-C-G.
Other names: c.1432C>G, p.Leu478Val (NM_001244189.2); c.1228C>G, p.Leu410Val (NM_001244190.2); c.1018C>G, p.Leu340Val (NM_001244191.2, NM_001329945.2, NM_001364700.1 and 1 more transcripts); c.1141C>G, p.Leu381Val (NM_001244192.2); c.853C>G, p.Leu285Val (NM_001244193.2); c.1273C>G, p.Leu425Val (NM_001329944.2, NM_001329946.2, NM_001329947.2 and 1 more transcripts); short protein forms L425V, L285V, L340V, L478V, L381V, L410V.
Identifiers: ClinVar variation 2134877 (VCV002134877.4), dbSNP rs2543066561, ClinGen allele CA389867620.
Genomic context (GRCh38, chr14:58,456,721, plus strand): 5'-TCAAAAATCTTCTGTAGCGTTGAAACTCTACCTTCTCAAAGATTTCCTTCCTGTGAAGAG[C>G]TAGAAACAACTAAAGTGACTATGCAGAAGTCTGATGATGTTCTTCATGACCTTGGCCAAA-3'
Protein context (NP_001316872.1, residues 415-435): KTNRFPSCEE[Leu425Val]ETTKVTMQKS